The following is an entry in ClinVar:

NM_005726.6(TSFM):c.467C>T (p.Pro156Leu)

Gene: TSFM (Ts translation elongation factor, mitochondrial; plus strand). Cytogenetic location: 12q14.1.
Variant type: single nucleotide variant.
Coding change: c.467C>T on transcript NM_005726.6 (MANE Select); coding-DNA position 467, C replaced by T.
Protein change: p.Pro156Leu; replaces proline 156 with leucine.
Molecular consequence: missense variant.
Genome position (GRCh38, 1-based): chr12:57,787,146, C>T. VCF-style: chr12-57787146-C-T. GRCh37 (hg19) VCF-style: chr12-58180929-C-T.
Other names: c.467C>T (NM_001172696.1); c.467C>T, p.Pro156Leu (NM_001172695.2, NM_001172696.2, NM_001172697.2); short protein forms P156L.
Identifiers: ClinVar variation 1387031 (VCV001387031.7), dbSNP rs2140418135, ClinGen allele CA385527377.

ClinVar aggregate classification (germline): Conflicting classifications of pathogenicity. Review status: criteria provided, conflicting classifications (1 of 4 stars). 3 submissions from 3 submitters: Uncertain significance (1); Likely benign (1). 1 of the submissions does not count toward it. Last evaluated 2025-01-06.

Conditions:
Inborn genetic diseases. Identifiers: MedGen C0950123, MeSH D030342.
Fatal mitochondrial disease due to combined oxidative phosphorylation defect type 3. Also called: ENCEPHALOMYOPATHY, RESPIRATORY FAILURE, AND LACTIC ACIDOSIS; Combined oxidative phosphorylation deficiency 3. Identifiers: Orphanet 168566, MedGen C1864840, MONDO:0012512, OMIM 610505.

Submissions (3):

Labcorp Genetics (formerly Invitae), Labcorp
Classification: Uncertain significance. Last evaluated: 2025-01-06. Review status: criteria provided, single submitter. Criteria: Invitae Variant Classification Sherloc (09022015). Collection method: clinical testing. Allele origin: germline.
Comment: This sequence change replaces proline, which is neutral and non-polar, with leucine, which is neutral and non-polar, at codon 156 of the TSFM protein (p.Pro156Leu). This variant is not present in population databases (gnomAD no frequency). This variant has not been reported in the literature in individuals affected with TSFM-related conditions. ClinVar contains an entry for this variant (Variation ID: 1387031). An algorithm developed to predict the effect of missense changes on protein structure and function outputs the following: PolyPhen-2: "Benign". The leucine amino acid residue is found in multiple mammalian species, which suggests that this missense change does not adversely affect protein function. In summary, the available evidence is currently insufficient to determine the role of this variant in disease. Therefore, it has been classified as a Variant of Uncertain Significance.

Ambry Genetics
Classification: Likely benign for Inborn genetic diseases. Last evaluated: 2024-02-27. Review status: criteria provided, single submitter. Criteria: Ambry Variant Classification Scheme 2023. Collection method: clinical testing. Allele origin: germline.

Natera, Inc.
Classification: Uncertain significance for Combined oxidative phosphorylation deficiency 3. Last evaluated: 2025-02-04. Review status: no assertion criteria provided. Collection method: clinical testing. Allele origin: germline. Not counted in ClinVar's aggregate classification.